The following is an entry in ClinVar:

NM_000260.4(MYO7A):c.4432A>C (p.Lys1478Gln)

Gene: MYO7A (myosin VIIA; plus strand). Cytogenetic location: 11q13.5.
Variant type: single nucleotide variant.
Coding change: c.4432A>C on transcript NM_000260.4 (MANE Select); coding-DNA position 4432, A replaced by C.
Protein change: p.Lys1478Gln; replaces lysine 1478 with glutamine.
Molecular consequence: missense variant.
Genome position (GRCh38, 1-based): chr11:77,197,589, A>C. VCF-style: chr11-77197589-A-C. GRCh37 (hg19) VCF-style: chr11-76908634-A-C.
Other names: c.4432A>C, p.Lys1478Gln (NM_001127180.2); c.4399A>C, p.Lys1467Gln (NM_001369365.1); short protein forms K1478Q, K1467Q.
Identifiers: ClinVar variation 883046 (VCV000883046.7), dbSNP rs1956761416, ClinGen allele CA381950167.

ClinVar aggregate classification (germline): Uncertain significance. Review status: criteria provided, multiple submitters, no conflicts (2 of 4 stars). 4 submissions from 2 submitters: Uncertain significance (4). Last evaluated 2023-10-05.

Conditions:
Autosomal dominant nonsyndromic hearing loss 11. Identifiers: Orphanet 90635, MedGen C1832475, MONDO:0011032, OMIM 601317.
Autosomal recessive nonsyndromic hearing loss 2. Also called: DEAFNESS, AUTOSOMAL RECESSIVE 2; NEUROSENSORY NONSYNDROMIC RECESSIVE DEAFNESS 2. Identifiers: Orphanet 90636, MedGen C1838701, MONDO:0010807, OMIM 600060.
Usher syndrome type 1 (USH1). Also called: RETINITIS PIGMENTOSA AND CONGENITAL DEAFNESS. Identifiers: Orphanet 231169, Orphanet 886, MedGen C1568247, MONDO:0010168, OMIM 276900.

Submissions (4):

Labcorp Genetics (formerly Invitae), Labcorp
Classification: Uncertain significance. Last evaluated: 2023-10-05. Review status: criteria provided, single submitter. Criteria: Invitae Variant Classification Sherloc (09022015). Collection method: clinical testing. Allele origin: germline.
Comment: This sequence change replaces lysine, which is basic and polar, with glutamine, which is neutral and polar, at codon 1478 of the MYO7A protein (p.Lys1478Gln). This variant is not present in population databases (gnomAD no frequency). This variant has not been reported in the literature in individuals affected with MYO7A-related conditions. ClinVar contains an entry for this variant (Variation ID: 883046). Advanced modeling of protein sequence and biophysical properties (such as structural, functional, and spatial information, amino acid conservation, physicochemical variation, residue mobility, and thermodynamic stability) performed at Invitae indicates that this missense variant is not expected to disrupt MYO7A protein function. In summary, the available evidence is currently insufficient to determine the role of this variant in disease. Therefore, it has been classified as a Variant of Uncertain Significance.

Illumina Laboratory Services, Illumina
Classification: Uncertain significance for Autosomal dominant nonsyndromic hearing loss 11. Last evaluated: 2018-01-13. Review status: criteria provided, single submitter. Criteria: ICSL Variant Classification Criteria 13 December 2019. Collection method: clinical testing. Allele origin: germline.

Illumina Laboratory Services, Illumina
Classification: Uncertain significance for Autosomal recessive nonsyndromic hearing loss 2. Last evaluated: 2018-01-13. Review status: criteria provided, single submitter. Criteria: ICSL Variant Classification Criteria 13 December 2019. Collection method: clinical testing. Allele origin: germline.

Illumina Laboratory Services, Illumina
Classification: Uncertain significance for Usher syndrome type 1. Last evaluated: 2018-01-13. Review status: criteria provided, single submitter. Criteria: ICSL Variant Classification Criteria 13 December 2019. Collection method: clinical testing. Allele origin: germline.